The following is an entry in ClinVar:

ClinVar aggregate classification (germline): Pathogenic (1 of 4 stars; one submission).

Conditions:
Inborn genetic diseases. Identifiers: MedGen C0950123, MeSH D030342.

Submission:

Ambry Genetics
Classification: Pathogenic for Inborn genetic diseases. Last evaluated: 2022-01-18. Review status: criteria provided, single submitter. Criteria: Ambry Variant Classification Scheme 2023. Collection method: clinical testing. Allele origin: germline.
Comment: The c.2611_2621del11 (p.D871Qfs*41) alteration, located in exon 9 (coding exon 7) of the ANKRD11 gene, consists of a deletion of 11 nucleotides from position 2611 to 2621, causing a translational frameshift with a predicted alternate stop codon after 41 amino acids. This alteration is expected to result in loss of function by premature protein truncation or nonsense-mediated mRNA decay. This variant was not reported in population-based cohorts in the Genome Aggregation Database (gnomAD). Based on the available evidence, this alteration is classified as pathogenic.

NM_013275.6(ANKRD11):c.2611_2621del (p.Asp871fs)

Gene: ANKRD11 (ankyrin repeat domain containing 11; minus strand). Cytogenetic location: 16q24.3.
Variant type: Deletion.
Coding change: c.2611_2621del on transcript NM_013275.6 (MANE Select); coding-DNA positions 2611 to 2621, 11 bases deleted (GACTCTGTGGC).
Protein change: p.Asp871fs; shifts the reading frame from aspartic acid 871.
Molecular consequence: frameshift variant.
Genome position (GRCh38, 1-based): chr16:89,283,921-89,283,931, GCCACAGAGTC deleted on the plus strand (GACTCTGTGGC on the coding strand, the reverse complement: ANKRD11 is on the minus strand); deleting any 11 consecutive bases within chr16:89,283,921-89,283,933 gives the same sequence; the c. name uses the placement nearest the transcript's 3' end. VCF-style (leftmost placement, unchanged base first): chr16-89283920-GGCCACAGAGTC-G. GRCh37 (hg19) VCF-style: chr16-89350328-GGCCACAGAGTC-G.
Other names: c.2611_2621del, p.Asp871fs (NM_001256182.2, NM_001256183.2); short protein forms D871fs.
Identifiers: ClinVar variation 2267337 (VCV002267337.2), dbSNP rs2544240608, ClinGen allele CA2580092299.